The following is an entry in ClinVar:

NM_001114134.2(EPB42):c.256G>T (p.Asp86Tyr)

Gene: EPB42 (erythrocyte membrane protein band 4.2; minus strand). Cytogenetic location: 15q15.2.
Variant type: single nucleotide variant.
Coding change: c.256G>T on transcript NM_001114134.2 (MANE Select); coding-DNA position 256, G replaced by T.
Protein change: p.Asp86Tyr; replaces aspartic acid 86 with tyrosine.
Molecular consequence: missense variant.
Genome position (GRCh38, 1-based): chr15:43,215,269, C>A on the plus strand (G>T on the coding strand, the complement: EPB42 is on the minus strand). VCF-style: chr15-43215269-C-A. GRCh37 (hg19) VCF-style: chr15-43507467-C-A.
Other names: c.346G>T, p.Asp116Tyr (NM_000119.3); short protein forms D116Y, D86Y.
Identifiers: ClinVar variation 1163095 (VCV001163095.23), dbSNP rs113768282, ClinGen allele CA7520647.

ClinVar aggregate classification (germline): Conflicting classifications of pathogenicity. Review status: criteria provided, conflicting classifications (1 of 4 stars). 4 submissions from 4 submitters: Uncertain significance (2); Benign (1); Likely benign (1). Last evaluated 2026-02-03.

Conditions:
Hereditary spherocytosis type 5. Also called: EPB42-Related Hereditary Spherocytosis; EPB42-Related Spherocytosis. Identifiers: Orphanet 822, MedGen C2675192, MONDO:0012985, OMIM 612690.

Allele frequency attached by ClinVar (database versions not stated): gnomAD exomes 0.00068; ExAC 0.00085; gnomAD 0.00256 and 0.00268; ESP Exome Variant Server 0.00300; 1000 Genomes Project 0.00359; 1000 Genomes Project 30x 0.00468.
gnomAD v4.1: 723 of 1,614,196 alleles (0.045%); highest among the groups gnomAD compares: African/African-American, 0.89%; 5 homozygotes.

Submissions (4):

Labcorp Genetics (formerly Invitae), Labcorp
Classification: Benign. Last evaluated: 2026-02-03. Review status: criteria provided, single submitter. Criteria: Invitae Variant Classification Sherloc (09022015). Collection method: clinical testing. Allele origin: germline.

ARUP Laboratories, Molecular Genetics and Genomics, ARUP Laboratories
Classification: Likely benign for Hereditary spherocytosis type 5. Last evaluated: 2024-10-03. Review status: criteria provided, single submitter. Criteria: ARUP Molecular Germline Variant Investigation Process 2024. Collection method: clinical testing. Allele origin: germline.

Mayo Clinic Laboratories, Mayo Clinic
Classification: Uncertain significance. Last evaluated: 2023-05-09. Review status: criteria provided, single submitter. Criteria: ACMG Guidelines, 2015. Collection method: clinical testing. Allele origin: germline. Observed: 14 variant alleles.

GeneDx
Classification: Uncertain significance. Last evaluated: 2020-06-24. Review status: criteria provided, single submitter. Criteria: GeneDx Variant Classification Process June 2021. Collection method: clinical testing. Allele origin: germline. Affected: yes.
Comment: In silico analysis supports that this missense variant has a deleterious effect on protein structure/function; Has not been previously published as pathogenic or benign to our knowledge